The following is an entry in ClinVar:

ClinVar aggregate classification (germline): Uncertain significance (1 of 4 stars; one submission).

Conditions:
Bethlem myopathy 1A. Also called: MYOPATHY, BENIGN CONGENITAL, WITH CONTRACTURES; Bethlem myopathy 1; Bethlem Muscular Dystrophy. Identifiers: Orphanet 610, MedGen CN029274, MONDO:0024530, OMIM 158810.

Submission:

Labcorp Genetics (formerly Invitae), Labcorp
Classification: Uncertain significance for Bethlem myopathy 1A. Last evaluated: 2024-03-01. Review status: criteria provided, single submitter. Criteria: Invitae Variant Classification Sherloc (09022015). Collection method: clinical testing. Allele origin: germline.
Comment: This sequence change replaces serine, which is neutral and polar, with asparagine, which is neutral and polar, at codon 684 of the COL6A3 protein (p.Ser684Asn). This variant is not present in population databases (gnomAD no frequency). This variant has not been reported in the literature in individuals affected with COL6A3-related conditions. Advanced modeling of protein sequence and biophysical properties (such as structural, functional, and spatial information, amino acid conservation, physicochemical variation, residue mobility, and thermodynamic stability) performed at Invitae indicates that this missense variant is not expected to disrupt COL6A3 protein function with a negative predictive value of 95%. In summary, the available evidence is currently insufficient to determine the role of this variant in disease. Therefore, it has been classified as a Variant of Uncertain Significance.

NM_004369.4(COL6A3):c.2051G>A (p.Ser684Asn)

Gene: COL6A3 (collagen type VI alpha 3 chain; minus strand). Cytogenetic location: 2q37.3.
Variant type: single nucleotide variant.
Coding change: c.2051G>A on transcript NM_004369.4 (MANE Select); coding-DNA position 2051, G replaced by A.
Protein change: p.Ser684Asn; replaces serine 684 with asparagine.
Molecular consequence: missense variant. On other transcripts: intron variant (1).
Genome position (GRCh38, 1-based): chr2:237,379,082, C>T on the plus strand (G>A on the coding strand, the complement: COL6A3 is on the minus strand). VCF-style: chr2-237379082-C-T. GRCh37 (hg19) VCF-style: chr2-238287725-C-T.
Other names: c.830G>A, p.Ser277Asn (NM_057164.5); c.1433G>A, p.Ser478Asn (NM_057165.5, NM_057167.4); c.677-1738G>A (NM_057166.5); short protein forms S277N, S478N, S684N.
Identifiers: ClinVar variation 3688916 (VCV003688916.2).